The following is an entry in ClinVar:

NM_003036.4(SKI):c.104C>G (p.Pro35Arg)

Gene: SKI (SKI proto-oncogene; plus strand). Cytogenetic location: 1p36.33.
Variant type: single nucleotide variant.
Coding change: c.104C>G on transcript NM_003036.4 (MANE Select); coding-DNA position 104, C replaced by G.
Protein change: p.Pro35Arg; replaces proline 35 with arginine.
Molecular consequence: missense variant.
Genome position (GRCh38, 1-based): chr1:2,228,870, C>G. VCF-style: chr1-2228870-C-G. GRCh37 (hg19) VCF-style: chr1-2160309-C-G.
Other names: short protein forms P35R.
Identifiers: ClinVar variation 409977 (VCV000409977.16), dbSNP rs397514589, ClinGen allele CA16609979.

ClinVar aggregate classification (germline): Conflicting classifications of pathogenicity. Review status: criteria provided, conflicting classifications (1 of 4 stars). 3 submissions from 3 submitters: Likely pathogenic (2); Uncertain significance (1). Last evaluated 2016-09-23.

Conditions:
Shprintzen-Goldberg syndrome (SGS). Also called: SHPRINTZEN-GOLDBERG CRANIOSYNOSTOSIS SYNDROME; CRANIOSYNOSTOSIS WITH ARACHNODACTYLY AND ABDOMINAL HERNIAS; Marfanoid disorder with craniosynostosis type 1; Marfanoid craniosynostosis syndrome; Shprintzen-Goldberg marfanoid syndrome. Identifiers: Orphanet 2462, MedGen C1321551, MONDO:0008426, OMIM 182212.

Submissions (3):

Labcorp Genetics (formerly Invitae), Labcorp
Classification: Uncertain significance for Shprintzen-Goldberg syndrome. Last evaluated: 2016-09-23. Review status: criteria provided, single submitter. Criteria: Invitae Variant Classification Sherloc (09022015). Collection method: clinical testing. Allele origin: germline.
Comment: In summary, this variant is a novel missense change with uncertain impact on protein function. While it is absent from the population and affects an important residue, the available evidence is currently insufficient to determine its role in disease. Therefore, it has been classified as a Variant of Uncertain Significance. Two different missense substitutions at this codon (p.Pro35Ser and p.Pro35Gln) have been determined to be pathogenic (PMID: 23023332, 23103230). This suggests that the proline residue is critical for SKI protein function and that other missense substitutions at this position may also be pathogenic. Algorithms developed to predict the effect of missense changes on protein structure and function do not agree on the potential impact of this missense change (SIFT: "Deleterious"; PolyPhen-2: "Benign"; Align-GVGD: "Class C0"). While this variant is not present in population databases, the frequency information is unreliable, as metrics indicate poor data quality at this position in the ExAC database. This variant has not been reported in the literature in an individual with a SKI-related disease. This sequence change replaces proline with arginine at codon 35 of the SKI protein (p.Pro35Arg). The proline residue is moderately conserved and there is a moderate physicochemical difference between proline and arginine.

Genetic Services Laboratory, University of Chicago
Classification: Likely pathogenic for Shprintzen-Goldberg syndrome. Last evaluated: 2016-09-21. Review status: criteria provided, single submitter. Criteria: ACMG Guidelines, 2015. Collection method: clinical testing. Allele origin: germline. Affected: yes.

Kasturba Medical College, Manipal, Kasturba Medical College, Manipal, Manipal Academy of Higher Education, Manipal, India
Classification: Likely pathogenic for Shprintzen-Goldberg syndrome. Review status: criteria provided, single submitter. Criteria: ACMG Guidelines, 2015. Collection method: research. Allele origin: de novo. Inheritance: Autosomal dominant inheritance. Affected: yes.

Literature cited by the submitters: PubMed 23023332 (cited by Labcorp Genetics (formerly Invitae), Labcorp); PubMed 23103230 (cited by Labcorp Genetics (formerly Invitae), Labcorp).